The following is an entry in ClinVar:

ClinVar aggregate classification (germline): Conflicting classifications of pathogenicity. Review status: criteria provided, conflicting classifications (1 of 4 stars). 7 submissions from 7 submitters: Uncertain significance (1); Likely benign (6). Last evaluated 2026-06-16.

Conditions:
Cardiovascular phenotype. Identifiers: MedGen CN230736.
Autosomal recessive limb-girdle muscular dystrophy type 2J (LGMDR10). Also called: MUSCULAR DYSTROPHY, LIMB-GIRDLE, AUTOSOMAL RECESSIVE 10; Limb-girdle muscular dystrophy, type 2J. Identifiers: Orphanet 140922, MedGen C1837342, MONDO:0012127, OMIM 608807.
Dilated cardiomyopathy 1G (CMD1G). Identifiers: Orphanet 154, MedGen C1858763, MONDO:0011400, OMIM 604145.

Allele frequency attached by ClinVar (database versions not stated): gnomAD exomes 0.00004 and 0.00006; ExAC 0.00007; gnomAD 0.00001 and 0.00003; ESP Exome Variant Server 0.00023; TOPMed 0.00003.
gnomAD v4.1: 60 of 1,613,906 alleles (0.0037%); highest among the groups gnomAD compares: Admixed American, 0.012%; no homozygotes.

Submissions (7):

Women's Health and Genetics/Laboratory Corporation of America, LabCorp
Classification: Likely benign. Last evaluated: 2026-06-16. Review status: criteria provided, single submitter. Criteria: LabCorp Variant Classification Summary - May 2015. Collection method: clinical testing. Allele origin: germline.

Labcorp Genetics (formerly Invitae), Labcorp
Classification: Likely benign for Dilated cardiomyopathy 1G; Autosomal recessive limb-girdle muscular dystrophy type 2J. Last evaluated: 2026-02-03. Review status: criteria provided, single submitter. Criteria: Invitae Variant Classification Sherloc (09022015). Collection method: clinical testing. Allele origin: germline.

Athena Diagnostics
Classification: Likely benign. Last evaluated: 2024-08-22. Review status: criteria provided, single submitter. Criteria: Athena Diagnostics Criteria. Collection method: clinical testing. Allele origin: unknown.

Ambry Genetics
Classification: Likely benign for Cardiovascular phenotype. Last evaluated: 2021-05-09. Review status: criteria provided, single submitter. Criteria: Ambry Variant Classification Scheme 2023. Collection method: clinical testing. Allele origin: germline.

GeneDx
Classification: Likely benign. Last evaluated: 2016-08-12. Review status: criteria provided, single submitter. Criteria: GeneDx Variant Classification (06012015). Collection method: clinical testing. Allele origin: germline. Affected: yes.
Comment: This variant is considered likely benign or benign based on one or more of the following criteria: it is a conservative change, it occurs at a poorly conserved position in the protein, it is predicted to be benign by multiple in silico algorithms, and/or has population frequency not consistent with disease.

Eurofins Ntd Llc (ga)
Classification: Uncertain significance. Last evaluated: 2015-09-09. Review status: criteria provided, single submitter. Criteria: EGL Classification Definitions 2015. Collection method: clinical testing. Allele origin: germline. Observed: 1 variant allele, 1 heterozygote.

Laboratory for Molecular Medicine, Mass General Brigham Personalized Medicine
Classification: Likely benign. Last evaluated: 2012-09-01. Review status: criteria provided, single submitter. Criteria: LMM Criteria. Collection method: clinical testing. Allele origin: germline. Observed: 2 variant alleles.
Comment: Asp2391Asp in exon 31 of TTN: This variant is not expected to have clinical sign ificance because it does not alter an amino acid residue and is not located with in the splice consensus sequence. It has been identified in 3/8600 European Amer ican chromosomes by the NHLBI Exome sequencing project in a broad population. Asp2391Asp in exon 31 of TTN (allele frequenc y = 3/8600) **

NM_001267550.2(TTN):c.7173C>T (p.Asp2391=)

Genes: TTN (titin; minus strand), LOC126806433 (BRD4-independent group 4 enhancer GRCh37_chr2:179638309-179639508; plus strand). Cytogenetic location: 2q31.2.
Variant type: single nucleotide variant.
Coding change: c.7173C>T on transcript NM_001267550.2 (MANE Select); coding-DNA position 7173, C replaced by T.
Protein change: p.Asp2391=; no amino-acid change (aspartic acid 2391 retained).
Molecular consequence: synonymous variant.
Genome position (GRCh38, 1-based): chr2:178,773,995, G>A on the plus strand (C>T on the coding strand, the complement: TTN is on the minus strand). VCF-style: chr2-178773995-G-A. GRCh37 (hg19) VCF-style: chr2-179638722-G-A.
Other names: c.7173C>T, p.Asp2391= (NM_001256850.1, NM_133378.4, NM_133379.5); c.7035C>T, p.Asp2345= (NM_003319.4, NM_133432.3, NM_133437.4); c.7173C>T (NM_001267550.1).
Identifiers: ClinVar variation 47376 (VCV000047376.25), dbSNP rs374509926, ClinGen allele CA140833.
Genomic context (GRCh38, chr2:178,773,995, plus strand): 5'-CATATGAGATTGTTTGTCTATCACAATGTGAACCCTGTCACTGGGCTGCACTTCTTGGCC[G>A]TCTTTCATCCAGACGCCTTCCACACTTTCCAAGGAGACTTTAACTTCAAGCTGAACAATG-3'
Protein context (NP_001254479.2, residues 2381-2401): LESVEGVWMK[Asp2391=]GQEVQPSDRV